The following is an entry in ClinVar:

ClinVar aggregate classification (germline): Uncertain significance. Review status: criteria provided, single submitter (1 of 4 stars). 2 submissions from 2 submitters: Uncertain significance (1). 1 of the submissions does not count toward it. Last evaluated 2025-08-10.

Conditions:
PKHD1-related disorder. Also called: PKHD1-related condition.

Submissions (2):

GeneDx
Classification: Uncertain significance. Last evaluated: 2025-08-10. Review status: criteria provided, single submitter. Criteria: GeneDx Variant Classification Process June 2021. Collection method: clinical testing. Allele origin: germline. Affected: yes.
Comment: Not observed at significant frequency in large population cohorts (gnomAD); In silico analysis supports that this missense variant has a deleterious effect on protein structure/function; Has not been previously published as pathogenic or benign to our knowledge

PreventionGenetics, part of Exact Sciences
Classification: Uncertain significance for PKHD1-related condition. Last evaluated: 2024-02-27. Review status: no assertion criteria provided. Collection method: clinical testing. Allele origin: germline. Not counted in ClinVar's aggregate classification.
Comment: The PKHD1 c.8321A>C variant is predicted to result in the amino acid substitution p.Asp2774Ala. To our knowledge, this variant has not been reported in the literature or in a large population database, indicating this variant is rare. At this time, the clinical significance of this variant is uncertain due to the absence of conclusive functional and genetic evidence.

NM_138694.4(PKHD1):c.8321A>C (p.Asp2774Ala)

Gene: PKHD1 (PKHD1 ciliary IPT domain containing fibrocystin/polyductin; minus strand). Cytogenetic location: 6p12.3.
Variant type: single nucleotide variant.
Coding change: c.8321A>C on transcript NM_138694.4 (MANE Select); coding-DNA position 8321, A replaced by C.
Protein change: p.Asp2774Ala; replaces aspartic acid 2774 with alanine.
Molecular consequence: missense variant.
Genome position (GRCh38, 1-based): chr6:51,791,355, T>G on the plus strand (A>C on the coding strand, the complement: PKHD1 is on the minus strand). VCF-style: chr6-51791355-T-G. GRCh37 (hg19) VCF-style: chr6-51656153-T-G.
Other names: c.8321A>C, p.Asp2774Ala (NM_170724.3); short protein forms D2774A.
Identifiers: ClinVar variation 3061329 (VCV003061329.3), dbSNP rs1018782769, ClinGen allele CA364416564.